The following is an entry in ClinVar:

NM_000550.3(TYRP1):c.1564T>A (p.Tyr522Asn)

Genes: LURAP1L-AS1 (LURAP1L antisense RNA 1; minus strand), TYRP1 (tyrosinase related protein 1; plus strand). Cytogenetic location: 9p23.
Variant type: single nucleotide variant.
Coding change: c.1564T>A on transcript NM_000550.3 (MANE Select); coding-DNA position 1564, T replaced by A.
Protein change: p.Tyr522Asn; replaces tyrosine 522 with asparagine.
Molecular consequence: missense variant.
Genome position (GRCh38, 1-based): chr9:12,709,132, T>A. VCF-style: chr9-12709132-T-A. GRCh37 (hg19) VCF-style: chr9-12709132-T-A.
Other names: short protein forms Y522N.
Identifiers: ClinVar variation 2115789 (VCV002115789.5), dbSNP rs1448239851, ClinGen allele CA372932658.

ClinVar aggregate classification (germline): Uncertain significance. Review status: criteria provided, multiple submitters, no conflicts (2 of 4 stars). 2 submissions from 2 submitters: Uncertain significance (2). Last evaluated 2023-12-11.

Conditions:
Inborn genetic diseases. Identifiers: MedGen C0950123, MeSH D030342.

Allele frequency attached by ClinVar (database versions not stated): gnomAD exomes 0.00001.

Submissions (2):

Labcorp Genetics (formerly Invitae), Labcorp
Classification: Uncertain significance. Last evaluated: 2023-12-11. Review status: criteria provided, single submitter. Criteria: Invitae Variant Classification Sherloc (09022015). Collection method: clinical testing. Allele origin: germline.
Comment: This sequence change replaces tyrosine, which is neutral and polar, with asparagine, which is neutral and polar, at codon 522 of the TYRP1 protein (p.Tyr522Asn). This variant is present in population databases (no rsID available, gnomAD 0.002%). This variant has not been reported in the literature in individuals affected with TYRP1-related conditions. ClinVar contains an entry for this variant (Variation ID: 2115789). Advanced modeling of protein sequence and biophysical properties (such as structural, functional, and spatial information, amino acid conservation, physicochemical variation, residue mobility, and thermodynamic stability) has been performed at Invitae for this missense variant, however the output from this modeling did not meet the statistical confidence thresholds required to predict the impact of this variant on TYRP1 protein function. In summary, the available evidence is currently insufficient to determine the role of this variant in disease. Therefore, it has been classified as a Variant of Uncertain Significance.

Ambry Genetics
Classification: Uncertain significance for Inborn genetic diseases. Last evaluated: 2021-10-22. Review status: criteria provided, single submitter. Criteria: Ambry Variant Classification Scheme 2023. Collection method: clinical testing. Allele origin: germline.